The following is an entry in ClinVar:

ClinVar aggregate classification (germline): Likely benign. Review status: criteria provided, single submitter (1 of 4 stars). 2 submissions from 2 submitters: Likely benign (1). 1 of the submissions does not count toward it. Last evaluated 2024-07-24.

Conditions:
COL11A1-related disorder. Also called: COL11A1-related disorders; COL11A1-related condition.

Allele frequency attached by ClinVar (database versions not stated): TOPMed 0.00003; gnomAD exomes 0.00008; ExAC 0.00012; gnomAD 0.00014.
gnomAD v4.1: 130 of 1,612,628 alleles (0.0081%); highest among the groups gnomAD compares: South Asian, 0.0066%; 1 homozygote.

Submissions (2):

Blueprint Genetics
Classification: Likely benign. Last evaluated: 2024-07-24. Review status: criteria provided, single submitter. Criteria: ACMG Guidelines, 2015. Collection method: clinical testing. Allele origin: germline.

PreventionGenetics, part of Exact Sciences
Classification: Likely benign for COL11A1-related condition. Last evaluated: 2020-06-09. Review status: no assertion criteria provided. Collection method: clinical testing. Allele origin: germline. Not counted in ClinVar's aggregate classification.
Comment: This variant is classified as likely benign based on ACMG/AMP sequence variant interpretation guidelines (Richards et al. 2015 PMID: 25741868, with internal and published modifications).

NM_001854.4(COL11A1):c.898-181G>A

Gene: COL11A1 (collagen type XI alpha 1 chain; minus strand). Cytogenetic location: 1p21.1.
Variant type: single nucleotide variant.
Coding change: c.898-181G>A on transcript NM_001854.4 (MANE Select); 181 bases into the intron before coding-DNA position 898, G replaced by A.
Molecular consequence: intron variant.
Genome position (GRCh38, 1-based): chr1:103,025,794, C>T on the plus strand (G>A on the coding strand, the complement: COL11A1 is on the minus strand). VCF-style: chr1-103025794-C-T. GRCh37 (hg19) VCF-style: chr1-103491350-C-T.
Other names: c.781-181G>A (NM_001190709.2); c.933+6G>A (NM_080629.3); c.897+422G>A (NM_080630.4).
Identifiers: ClinVar variation 3036898 (VCV003036898.3), dbSNP rs769233649, ClinGen allele CA975218.